The following is an entry in ClinVar:

ClinVar aggregate classification (germline): Likely benign. Review status: criteria provided, multiple submitters, no conflicts (2 of 4 stars). 5 submissions from 5 submitters: Likely benign (5). Last evaluated 2025-10-07.

Conditions:
Ehlers-Danlos syndrome, type 4 (EDSVASC). Also called: Ehlers-Danlos syndrome vascular type; Ehlers Danlos syndrome, ecchymotic type; Ehlers Danlos syndrome, arterial type; Ehlers Danlos syndrome, Sack-Barabas type; Ehlers-Danlos Syndrome Type IV. Identifiers: Orphanet 286, MedGen C0268338, MONDO:0017314, OMIM 130050.
Familial thoracic aortic aneurysm and aortic dissection (TAAD). Also called: Thoracic aortic aneurysms and dissections. Identifiers: Orphanet 91387, MedGen C4707243, MONDO:0019625.

Allele frequency attached by ClinVar (database versions not stated): gnomAD exomes below 0.00001; TOPMed 0.00001.
gnomAD v4.1: 2 of 1,614,148 alleles (0.00012%); highest among the groups gnomAD compares: Admixed American, 0.0033%; no homozygotes.

Submissions (5):

Labcorp Genetics (formerly Invitae), Labcorp
Classification: Likely benign for Ehlers-Danlos syndrome, type 4. Last evaluated: 2025-10-07. Review status: criteria provided, single submitter. Criteria: Invitae Variant Classification Sherloc (09022015). Collection method: clinical testing. Allele origin: germline.

Mayo Clinic Laboratories, Mayo Clinic
Classification: Likely benign. Last evaluated: 2025-09-11. Review status: criteria provided, single submitter. Criteria: ACMG Guidelines, 2015. Collection method: clinical testing. Allele origin: germline. Observed: 2 variant alleles.
Comment: BP4, BP7

Ambry Genetics
Classification: Likely benign for Familial thoracic aortic aneurysm and aortic dissection. Last evaluated: 2024-06-09. Review status: criteria provided, single submitter. Criteria: Ambry Variant Classification Scheme 2023. Collection method: clinical testing. Allele origin: germline.

All of Us Research Program, National Institutes of Health
Classification: Likely benign for Ehlers-Danlos syndrome, type 4. Last evaluated: 2024-03-05. Review status: criteria provided, single submitter. Criteria: ACMG Guidelines, 2015. Collection method: clinical testing. Allele origin: germline. Inheritance: Autosomal dominant inheritance. Observed: 1 variant allele, 1 heterozygote.
Comment: This study involves interpretation of variants in research participants for the purpose of population health screening. Participant phenotype was not available at the time of variant classification. Additional details can be found in publication PMID: 35346344, PMCID: PMC8962531

Color Diagnostics, LLC DBA Color Health
Classification: Likely benign for Familial thoracic aortic aneurysm and aortic dissection. Last evaluated: 2021-04-05. Review status: criteria provided, single submitter. Criteria: ACMG Guidelines, 2015. Collection method: clinical testing. Allele origin: germline.

NM_000090.4(COL3A1):c.3141T>A (p.Gly1047=)

Gene: COL3A1 (collagen type III alpha 1 chain; plus strand). Cytogenetic location: 2q32.2.
Variant type: single nucleotide variant.
Coding change: c.3141T>A on transcript NM_000090.4 (MANE Select); coding-DNA position 3141, T replaced by A.
Protein change: p.Gly1047=; no amino-acid change (glycine 1047 retained).
Molecular consequence: synonymous variant.
Genome position (GRCh38, 1-based): chr2:189,006,392, T>A. VCF-style: chr2-189006392-T-A. GRCh37 (hg19) VCF-style: chr2-189871118-T-A.
Other names: p.Gly1047=.
Identifiers: ClinVar variation 1332043 (VCV001332043.10), dbSNP rs1443252912, ClinGen allele CA430312814.
Genomic context (GRCh38, chr2:189,006,392, plus strand): 5'-AATTTGTTCACAGGGTGATCGTGGTGAAAATGGCTCTCCTGGTGCCCCTGGCGCTCCTGG[T>A]CATCCAGGCCCACCTGGTCCTGTCGGTCCAGCTGGAAAGAGTGGTGACAGAGGAGAAAGT-3'
Protein context (NP_000081.2, residues 1037-1057): NGSPGAPGAP[Gly1047=]HPGPPGPVGP